The following is an entry in ClinVar:

ClinVar aggregate classification (germline): Likely benign (1 of 4 stars; one submission).

Allele frequency attached by ClinVar (database versions not stated): ExAC 0.00002; TOPMed 0.00003; gnomAD 0.00004.
gnomAD v4.1: 39 of 1,614,056 alleles (0.0024%); highest among the groups gnomAD compares: Admixed American, 0.005%; no homozygotes.

Submission:

CeGaT Center for Human Genetics Tuebingen
Classification: Likely benign. Last evaluated: 2023-02-01. Review status: criteria provided, single submitter. Criteria: CeGaT Center For Human Genetics Tuebingen Variant Classification Criteria Version 2. Collection method: clinical testing. Allele origin: germline. Affected: yes. Observed: 2 variant alleles.
Comment: OR4K5: BP4, BP7

NM_001005483.1(OR4K5):c.735A>T (p.Ala245=)

Genes: OR4K1 (olfactory receptor family 4 subfamily K member 1; plus strand), OR4K5 (olfactory receptor family 4 subfamily K member 5; plus strand). Cytogenetic location: 14q11.2.
Variant type: single nucleotide variant.
Coding change: c.735A>T on transcript NM_001005483.1 (MANE Select); coding-DNA position 735, A replaced by T.
Protein change: p.Ala245=; no amino-acid change (alanine 245 retained).
Molecular consequence: synonymous variant.
Genome position (GRCh38, 1-based): chr14:19,921,341, A>T. VCF-style: chr14-19921341-A-T. GRCh37 (hg19) VCF-style: chr14-20389500-A-T.
Identifiers: ClinVar variation 2644037 (VCV002644037.24), dbSNP rs752199075, ClinGen allele CA7074112.